The following is an entry in ClinVar:

NM_017934.7(PHIP):c.4631-2dup

Genes: IRAK1BP1 (interleukin 1 receptor associated kinase 1 binding protein 1; plus strand), PHIP (PHIP subunit of CUL4-Ring ligase complex; minus strand). Cytogenetic location: 6q14.1.
Variant type: Duplication.
Coding change: c.4631-2dup on transcript NM_017934.7 (MANE Select); the canonical splice acceptor site of the intron before coding-DNA position 4631, one base duplicated (A; older notation c.4631-2dupA).
Molecular consequence: splice acceptor variant.
Genome position (GRCh38, 1-based): chr6:78,945,499, T duplicated on the plus strand (A on the coding strand, the reverse complement: PHIP is on the minus strand). VCF-style (leftmost placement, unchanged base first): chr6-78945498-C-CT. GRCh37 (hg19) VCF-style: chr6-79655215-C-CT.
Identifiers: ClinVar variation 4978579 (VCV004978579.1).

ClinVar aggregate classification (germline): Uncertain significance (1 of 4 stars; one submission).

Conditions:
PHIP-related disorder. Also called: PHIP-related condition; PHIP-related disorders.

Submission:

PreventionGenetics, part of Exact Sciences
Classification: Uncertain significance for PHIP-related condition. Last evaluated: 2026-06-15. Review status: criteria provided, single submitter. Criteria: ACMG Guidelines, 2015. Collection method: clinical testing. Allele origin: germline.
Comment: The PHIP c.4631-2dupA variant is predicted to result in an intronic duplication. This variant is predicted to alter splicing based on available splicing prediction programs (SpliceAI, Jaganathan et al. 2019. PubMed ID: 30661751). To our knowledge, this variant has not been reported in the literature. This variant is reported in 0.011% of alleles in individuals of African descent in gnomAD. At this time, the clinical significance of this variant is uncertain due to the absence of conclusive functional and genetic evidence.